The following is an entry in ClinVar:

ClinVar aggregate classification (germline): Likely benign (0 of 4 stars; one submission).

Conditions:
WDR37-related disorder. Also called: WDR37-related condition.

gnomAD v4.1: 233 of 1,614,064 alleles (0.014%); highest among the groups gnomAD compares: South Asian, 0.17%; no homozygotes.

Submission:

PreventionGenetics, part of Exact Sciences
Classification: Likely benign for WDR37-related condition. Last evaluated: 2024-06-18. Review status: no assertion criteria provided. Collection method: clinical testing. Allele origin: germline.
Comment: This variant is classified as likely benign based on ACMG/AMP sequence variant interpretation guidelines (Richards et al. 2015 PMID: 25741868, with internal and published modifications).

NM_014023.4(WDR37):c.981G>A (p.Thr327=)

Gene: WDR37 (WD repeat domain 37; plus strand). Cytogenetic location: 10p15.3.
Variant type: single nucleotide variant.
Coding change: c.981G>A on transcript NM_014023.4 (MANE Select); coding-DNA position 981, G replaced by A.
Protein change: p.Thr327=; no amino-acid change (threonine 327 retained).
Molecular consequence: synonymous variant.
Genome position (GRCh38, 1-based): chr10:1,105,145, G>A. VCF-style: chr10-1105145-G-A. GRCh37 (hg19) VCF-style: chr10-1151085-G-A.
Identifiers: ClinVar variation 3352069 (VCV003352069.1).